The following is an entry in ClinVar:

NM_001291303.3(FAT4):c.1441A>G (p.Arg481Gly)

Gene: FAT4 (FAT atypical cadherin 4; plus strand). Cytogenetic location: 4q28.1.
Variant type: single nucleotide variant.
Coding change: c.1441A>G on transcript NM_001291303.3 (MANE Select); coding-DNA position 1441, A replaced by G.
Protein change: p.Arg481Gly; replaces arginine 481 with glycine.
Molecular consequence: missense variant.
Genome position (GRCh38, 1-based): chr4:125,317,852, A>G. VCF-style: chr4-125317852-A-G. GRCh37 (hg19) VCF-style: chr4-126239007-A-G.
Other names: c.1441A>G, p.Arg481Gly (NM_001291285.3, NM_024582.6); short protein forms R481G.
Identifiers: ClinVar variation 3600412 (VCV003600412.1).

ClinVar aggregate classification (germline): Uncertain significance (1 of 4 stars; one submission).

Conditions:
Hennekam lymphangiectasia-lymphedema syndrome 2 (HKLLS2). Identifiers: Orphanet 2136, MedGen C4014939, MONDO:0014454, OMIM 616006.

gnomAD v4.1: 2 of 1,614,206 alleles (0.00012%); highest among the groups gnomAD compares: Admixed American, 0.0017%; no homozygotes.

Submission:

Clinical Genomics Laboratory, Washington University in St. Louis
Classification: Uncertain significance for Hennekam lymphangiectasia-lymphedema syndrome 2. Last evaluated: 2024-06-17. Review status: criteria provided, single submitter. Criteria: ACMG Guidelines, 2015. Collection method: clinical testing. Allele origin: germline.
Comment: A FAT4 c.1441A>G (p.Arg481Gly) variant was identified at a near heterozygous allelic fraction, which may be consistent with germline origin. To our knowledge, this variant has not been reported in the medical literature and is only observed on 2/1,614,206 alleles in the general population (gnomAD v.4.1.0), indicating it is not a common variant. Computational predictors suggest that the variant does not impact FAT4 function. Due to limited information, and based on ACMG/AMP guidelines for variant interpretation (Richards S et al., PMID: 25741868), the clinical significance of this variant is uncertain at this time.